The following is an entry in ClinVar:

ClinVar aggregate classification (germline): Uncertain significance (1 of 4 stars; one submission).

Conditions:
Holoprosencephaly 5 (HPE5). Identifiers: Orphanet 2162, MedGen C1864827, MONDO:0012322, OMIM 609637.

Allele frequency attached by ClinVar (database versions not stated): gnomAD 0.00001; ExAC 0.00002; gnomAD exomes 0.00011.
gnomAD v4.1: 68 of 1,595,130 alleles (0.0043%); highest among the groups gnomAD compares: East Asian, 0.15%; no homozygotes.

Submission:

Labcorp Genetics (formerly Invitae), Labcorp
Classification: Uncertain significance for Holoprosencephaly 5. Last evaluated: 2023-11-27. Review status: criteria provided, single submitter. Criteria: Invitae Variant Classification Sherloc (09022015). Collection method: clinical testing. Allele origin: germline.
Comment: This sequence change replaces serine, which is neutral and polar, with arginine, which is basic and polar, at codon 444 of the ZIC2 protein (p.Ser444Arg). The frequency data for this variant in the population databases is considered unreliable, as metrics indicate poor data quality at this position in the gnomAD database. This variant has not been reported in the literature in individuals affected with ZIC2-related conditions. ClinVar contains an entry for this variant (Variation ID: 1984910). Advanced modeling of protein sequence and biophysical properties (such as structural, functional, and spatial information, amino acid conservation, physicochemical variation, residue mobility, and thermodynamic stability) performed at Invitae indicates that this missense variant is not expected to disrupt ZIC2 protein function with a negative predictive value of 80%. In summary, the available evidence is currently insufficient to determine the role of this variant in disease. Therefore, it has been classified as a Variant of Uncertain Significance.

NM_007129.5(ZIC2):c.1332C>A (p.Ser444Arg)

Gene: ZIC2 (Zic family zinc finger 2; plus strand). Cytogenetic location: 13q32.3.
Variant type: single nucleotide variant.
Coding change: c.1332C>A on transcript NM_007129.5 (MANE Select); coding-DNA position 1332, C replaced by A.
Protein change: p.Ser444Arg; replaces serine 444 with arginine.
Molecular consequence: missense variant.
Genome position (GRCh38, 1-based): chr13:99,985,415, C>A. VCF-style: chr13-99985415-C-A. GRCh37 (hg19) VCF-style: chr13-100637669-C-A.
Other names: short protein forms S444R.
Identifiers: ClinVar variation 1984910 (VCV001984910.4), dbSNP rs766867630, ClinGen allele CA7032964.